The following is an entry in ClinVar:

ClinVar aggregate classification (germline): Conflicting classifications of pathogenicity. Review status: criteria provided, conflicting classifications (1 of 4 stars). 3 submissions from 3 submitters: Uncertain significance (1); Likely benign (2). Last evaluated 2026-03-11.

Conditions:
MYPN-related disorder. Also called: MYPN-related condition.
Cardiovascular phenotype. Identifiers: MedGen CN230736.
Dilated cardiomyopathy 1KK (CMD1KK). Identifiers: Orphanet 154, Orphanet 75249, MedGen C3714995, MONDO:0014100, OMIM 615248.

Allele frequency attached by ClinVar (database versions not stated): gnomAD exomes 0.00001 and 0.00003; ExAC 0.00006; gnomAD 0.00011; TOPMed 0.00012.
gnomAD v4.1: 34 of 1,613,854 alleles (0.0021%); highest among the groups gnomAD compares: African/African-American, 0.041%; no homozygotes.

Submissions (3):

PreventionGenetics, part of Exact Sciences
Classification: Uncertain significance for MYPN-related condition. Last evaluated: 2026-03-11. Review status: criteria provided, single submitter. Criteria: ACMG Guidelines, 2015. Collection method: clinical testing. Allele origin: germline.
Comment: The MYPN c.3504G>A variant is not predicted to result in an amino acid change (p.=). This variant is predicted to impact splicing based on splicing prediction programs (SpliceAI, Jaganathan et al. 2019. PubMed ID: 30661751). However, the use of computer prediction programs is not equivalent to functional evidence. To our knowledge, this variant has not been reported in the literature. This variant is reported in 0.048% of alleles in individuals of African descent in gnomAD and is interpreted as likely benign in ClinVar (Variation ID: 520327). Although we suspect that this variant may be benign, at this time, the clinical significance of this variant is uncertain due to the absence of conclusive functional and genetic evidence.

Labcorp Genetics (formerly Invitae), Labcorp
Classification: Likely benign for Dilated cardiomyopathy 1KK. Last evaluated: 2025-11-05. Review status: criteria provided, single submitter. Criteria: Invitae Variant Classification Sherloc (09022015). Collection method: clinical testing. Allele origin: germline.

Ambry Genetics
Classification: Likely benign for Cardiovascular phenotype. Last evaluated: 2016-12-13. Review status: criteria provided, single submitter. Criteria: Ambry Variant Classification Scheme 2023. Collection method: clinical testing. Allele origin: germline.

NM_032578.4(MYPN):c.3504G>A (p.Val1168=)

Gene: MYPN (myopalladin; plus strand). Cytogenetic location: 10q21.3.
Variant type: single nucleotide variant.
Coding change: c.3504G>A on transcript NM_032578.4 (MANE Select); coding-DNA position 3504, G replaced by A.
Protein change: p.Val1168=; no amino-acid change (valine 1168 retained).
Molecular consequence: synonymous variant. On other transcripts: non-coding transcript variant (2).
Genome position (GRCh38, 1-based): chr10:68,201,839, G>A. VCF-style: chr10-68201839-G-A. GRCh37 (hg19) VCF-style: chr10-69961596-G-A.
Other names: c.3504G>A, p.Val1168= (NM_001256267.2); c.2622G>A, p.Val874= (NM_001256268.2).
Identifiers: ClinVar variation 520327 (VCV000520327.16), dbSNP rs755327022, ClinGen allele CA5523082.